The following is an entry in ClinVar:

NM_001130823.3(DNMT1):c.1378G>C (p.Asp460His)

Gene: DNMT1 (DNA methyltransferase 1; minus strand). Cytogenetic location: 19p13.2.
Variant type: single nucleotide variant.
Coding change: c.1378G>C on transcript NM_001130823.3 (MANE Select); coding-DNA position 1378, G replaced by C.
Protein change: p.Asp460His; replaces aspartic acid 460 with histidine.
Molecular consequence: missense variant.
Genome position (GRCh38, 1-based): chr19:10,156,412, C>G on the plus strand (G>C on the coding strand, the complement: DNMT1 is on the minus strand). VCF-style: chr19-10156412-C-G. GRCh37 (hg19) VCF-style: chr19-10267088-C-G.
Other names: c.1378G>C (LRG_362t1); c.1330G>C, p.Asp444His (NM_001318730.2, NM_001379.4); c.1015G>C, p.Asp339His (NM_001318731.2); short protein forms D460H, D444H, D339H.
Identifiers: ClinVar variation 472263 (VCV000472263.7), dbSNP rs1403539644, ClinGen allele CA403938026.

ClinVar aggregate classification (germline): Uncertain significance (1 of 4 stars; one submission).

Conditions:
Hereditary sensory neuropathy-deafness-dementia syndrome. Also called: HSN IE; Hereditary sensory neuropathy type IE; NEUROPATHY, HEREDITARY SENSORY, WITH HEARING LOSS AND DEMENTIA; Hereditary Sensory and Autonomic Neuropathy Type 1E (HSAN1E). Identifiers: Orphanet 456318, MedGen C3279885, MONDO:0013584, OMIM 614116.

Allele frequency attached by ClinVar (database versions not stated): gnomAD 0.00001; TOPMed 0.00001.
gnomAD v4.1: 1 of 1,611,680 alleles (0.000062%); highest among the groups gnomAD compares: Non-Finnish European, 0.000085%; no homozygotes.

Submission:

Labcorp Genetics (formerly Invitae), Labcorp
Classification: Uncertain significance for Hereditary sensory neuropathy-deafness-dementia syndrome. Last evaluated: 2024-08-12. Review status: criteria provided, single submitter. Criteria: Invitae Variant Classification Sherloc (09022015). Collection method: clinical testing. Allele origin: germline.
Comment: This sequence change replaces aspartic acid, which is acidic and polar, with histidine, which is basic and polar, at codon 460 of the DNMT1 protein (p.Asp460His). This variant is not present in population databases (gnomAD no frequency). This variant has not been reported in the literature in individuals affected with DNMT1-related conditions. ClinVar contains an entry for this variant (Variation ID: 472263). Advanced modeling of protein sequence and biophysical properties (such as structural, functional, and spatial information, amino acid conservation, physicochemical variation, residue mobility, and thermodynamic stability) has been performed at Invitae for this missense variant, however the output from this modeling did not meet the statistical confidence thresholds required to predict the impact of this variant on DNMT1 protein function. In summary, the available evidence is currently insufficient to determine the role of this variant in disease. Therefore, it has been classified as a Variant of Uncertain Significance.